The following is an entry in ClinVar:

ClinVar aggregate classification (germline): Uncertain significance (1 of 4 stars; one submission).

Conditions:
Primary ciliary dyskinesia. Also called: Ciliary dyskinesia. Identifiers: Orphanet 244, MedGen C0008780, MONDO:0016575, HP:0012265.

gnomAD v4.1: 11 of 1,613,790 alleles (0.00068%); highest among the groups gnomAD compares: East Asian, 0.0045%; no homozygotes.

Submission:

Ambry Genetics
Classification: Uncertain significance for Primary ciliary dyskinesia. Last evaluated: 2026-05-28. Review status: criteria provided, single submitter. Criteria: Ambry Variant Classification Scheme 2023. Collection method: clinical testing. Allele origin: germline.
Comment: The p.R622S variant (also known as c.1864C>A), located in coding exon 9 of the DNAAF5 gene, results from a C to A substitution at nucleotide position 1864. The arginine at codon 622 is replaced by serine, an amino acid with dissimilar properties. This amino acid position is conserved. In addition, this alteration is predicted to be deleterious by in silico analysis. Based on the available evidence, the clinical significance of this variant remains unclear.

NM_017802.4(DNAAF5):c.1864C>A (p.Arg622Ser)

Gene: DNAAF5 (dynein axonemal assembly factor 5; plus strand). Cytogenetic location: 7p22.3.
Variant type: single nucleotide variant.
Coding change: c.1864C>A on transcript NM_017802.4 (MANE Select); coding-DNA position 1864, C replaced by A.
Protein change: p.Arg622Ser; replaces arginine 622 with serine.
Molecular consequence: missense variant. On other transcripts: non-coding transcript variant (1).
Genome position (GRCh38, 1-based): chr7:770,551, C>A. VCF-style: chr7-770551-C-A. GRCh37 (hg19) VCF-style: chr7-810188-C-A.
Other names: short protein forms R622S.
Identifiers: ClinVar variation 4869909 (VCV004869909.1).